The following is an entry in ClinVar:

NM_153700.2(STRC):c.22CTG[12] (p.Leu18_Ser19insLeu)

Gene: STRC (stereocilin; minus strand). Cytogenetic location: 15q15.3.
Variant type: Microsatellite.
Coding change: c.22CTG[12] on transcript NM_153700.2 (MANE Select); 12 copies in a row of the 3-base unit CTG starting at c.22; the reference has 11 copies in a row; one copy, 3 bases duplicated; also written c.52_54dup.
Protein change: p.Leu18_Ser19insLeu.
Molecular consequence: inframe insertion.
Genome position (GRCh38, 1-based): chr15:43,618,669-43,618,671, CAG duplicated on the plus strand (CTG on the coding strand, the reverse complement: STRC is on the minus strand); duplicating any 3 consecutive bases within chr15:43,618,669-43,618,701 gives the same sequence; the position shown is the placement nearest the transcript's 3' end. VCF-style (leftmost placement, unchanged base first): chr15-43618668-A-ACAG. GRCh37 (hg19) VCF-style: chr15-43910866-A-ACAG.
Other names: p.Leu18dup; c.52_54dup (NM_153700.2).
Identifiers: ClinVar variation 3075800 (VCV003075800.2), dbSNP rs1567120678, ClinGen allele CA617660031.

ClinVar aggregate classification (germline): Benign. Review status: criteria provided, multiple submitters, no conflicts (2 of 4 stars). 2 submissions from 2 submitters: Benign (2). Last evaluated 2022-12-23.

Submissions (2):

Mayo Clinic Laboratories, Mayo Clinic
Classification: Benign. Last evaluated: 2022-12-23. Review status: criteria provided, single submitter. Criteria: ACMG Guidelines, 2015. Collection method: clinical testing. Allele origin: germline. Observed: 2 variant alleles.

Laboratory for Molecular Medicine, Mass General Brigham Personalized Medicine
Classification: Benign. Last evaluated: 2019-11-04. Review status: criteria provided, single submitter. Criteria: ACMG Guidelines, 2015. Collection method: clinical testing. Allele origin: germline.
Comment: The p.Leu18dup variant in STRC is classified as benign because it has been identified in 1.5% (16/1034) of Latino chromosomes by gnomAD. ACMG/AMP Criteria applied: BA1.